The following is an entry in ClinVar:

NM_001080467.3(MYO5B):c.4513C>T (p.Leu1505Phe)

Genes: MYO5B (myosin VB; minus strand), SNHG22 (small nucleolar RNA host gene 22; plus strand). Cytogenetic location: 18q21.1.
Variant type: single nucleotide variant.
Coding change: c.4513C>T on transcript NM_001080467.3 (MANE Select); coding-DNA position 4513, C replaced by T.
Protein change: p.Leu1505Phe; replaces leucine 1505 with phenylalanine.
Molecular consequence: missense variant.
Genome position (GRCh38, 1-based): chr18:49,843,339, G>A on the plus strand (C>T on the coding strand, the complement: MYO5B is on the minus strand). VCF-style: chr18-49843339-G-A. GRCh37 (hg19) VCF-style: chr18-47369709-G-A.
Other names: short protein forms L1505F.
Identifiers: ClinVar variation 889673 (VCV000889673.8), dbSNP rs751931284, ClinGen allele CA8960331.

ClinVar aggregate classification (germline): Uncertain significance. Review status: criteria provided, multiple submitters, no conflicts (2 of 4 stars). 2 submissions from 2 submitters: Uncertain significance (2). Last evaluated 2022-06-10.

Conditions:
Congenital microvillous atrophy (DIAR2). Also called: MICROVILLUS ATROPHY, CONGENITAL; Microvillus inclusion disease; DAVIDSON DISEASE; CONGENITAL FAMILIAL PROTRACTED DIARRHEA WITH ENTEROCYTE BRUSH-BORDER ABNORMALITIES; Diarrhea 2 with microvillus atrophy, with or without cholestasis. Identifiers: Orphanet 2290, MedGen C0341306, MONDO:0009635, OMIM 251850.

Allele frequency attached by ClinVar (database versions not stated): gnomAD 0.00001; ExAC 0.00003; gnomAD exomes 0.00004.
gnomAD v4.1: 13 of 1,614,016 alleles (0.00081%); highest among the groups gnomAD compares: South Asian, 0.012%; no homozygotes.

Submissions (2):

Labcorp Genetics (formerly Invitae), Labcorp
Classification: Uncertain significance. Last evaluated: 2022-06-10. Review status: criteria provided, single submitter. Criteria: Invitae Variant Classification Sherloc (09022015). Collection method: clinical testing. Allele origin: germline.
Comment: This variant is present in population databases (rs751931284, gnomAD 0.02%). This sequence change replaces leucine, which is neutral and non-polar, with phenylalanine, which is neutral and non-polar, at codon 1505 of the MYO5B protein (p.Leu1505Phe). This variant has not been reported in the literature in individuals affected with MYO5B-related conditions. In summary, the available evidence is currently insufficient to determine the role of this variant in disease. Therefore, it has been classified as a Variant of Uncertain Significance. Algorithms developed to predict the effect of missense changes on protein structure and function are either unavailable or do not agree on the potential impact of this missense change (SIFT: "Deleterious"; PolyPhen-2: "Probably Damaging"; Align-GVGD: "Class C0"). ClinVar contains an entry for this variant (Variation ID: 889673).

Illumina Laboratory Services, Illumina
Classification: Uncertain significance for Congenital microvillous atrophy. Last evaluated: 2018-01-12. Review status: criteria provided, single submitter. Criteria: ICSL Variant Classification Criteria 13 December 2019. Collection method: clinical testing. Allele origin: germline.